The following is an entry in ClinVar:

ClinVar aggregate classification (germline): Benign (0 of 4 stars; one submission).

Conditions:
STARD9-related disorder. Also called: STARD9-related condition.

Allele frequency attached by ClinVar (database versions not stated): TOPMed 0.00024; 1000 Genomes Project 0.00080; 1000 Genomes Project 30x 0.00094; gnomAD 0.00115.
gnomAD v4.1: 1,231 of 1,536,852 alleles (0.08%); highest among the groups gnomAD compares: Non-Finnish European, 0.052%; 6 homozygotes.

Submission:

PreventionGenetics, part of Exact Sciences
Classification: Benign for STARD9-related condition. Last evaluated: 2019-10-28. Review status: no assertion criteria provided. Collection method: clinical testing. Allele origin: germline.
Comment: This variant is classified as benign based on ACMG/AMP sequence variant interpretation guidelines (Richards et al. 2015 PMID: 25741868, with internal and published modifications).

NM_020759.3(STARD9):c.1649A>G (p.Asn550Ser)

Gene: STARD9 (StAR related lipid transfer domain containing 9; plus strand). Cytogenetic location: 15q15.2.
Variant type: single nucleotide variant.
Coding change: c.1649A>G on transcript NM_020759.3 (MANE Select); coding-DNA position 1649, A replaced by G.
Protein change: p.Asn550Ser; replaces asparagine 550 with serine.
Molecular consequence: missense variant.
Genome position (GRCh38, 1-based): chr15:42,674,926, A>G. VCF-style: chr15-42674926-A-G. GRCh37 (hg19) VCF-style: chr15-42967124-A-G.
Other names: short protein forms N550S.
Identifiers: ClinVar variation 3040598 (VCV003040598.2), dbSNP rs201346447, ClinGen allele CA7514121.